The following is an entry in ClinVar:

NM_001001331.4(ATP2B2):c.3059G>A (p.Arg1020His)

Gene: ATP2B2 (ATPase plasma membrane Ca2+ transporting 2; minus strand). Cytogenetic location: 3p25.3.
Variant type: single nucleotide variant.
Coding change: c.3059G>A on transcript NM_001001331.4 (MANE Select); coding-DNA position 3059, G replaced by A.
Protein change: p.Arg1020His; replaces arginine 1020 with histidine.
Molecular consequence: missense variant.
Genome position (GRCh38, 1-based): chr3:10,340,563, C>T on the plus strand (G>A on the coding strand, the complement: ATP2B2 is on the minus strand). VCF-style: chr3-10340563-C-T. GRCh37 (hg19) VCF-style: chr3-10382247-C-T.
Other names: DFNA82; c.2924G>A, p.Arg975His (NM_001330611.3, NM_001353564.1, NM_001363862.1 and 1 more transcripts); short protein forms R1020H, R975H.
Identifiers: ClinVar variation 3393410 (VCV003393410.1).
Genomic context (GRCh38, chr3:10,340,563, plus strand): 5'-AAGGTGCCCAGCACGATGGTGCAGAAGATGGGGTTCCGGAAGATGCCGTCAAAGACATTG[C>T]GCTCGCCGTGGATCTTGCGGGCGTTGATCTCGTTGAAGAGCTGCATCATGACGAAGGTGT-3'
Protein context (NP_001001331.1, residues 1010-1030): EINARKIHGE[Arg1020His]NVFDGIFRNP

ClinVar aggregate classification (germline): Uncertain significance (1 of 4 stars; one submission).

Conditions:
Hearing loss, autosomal dominant 82. Also called: Deafness, autosomal dominant 82. Identifiers: MedGen C5676948, MONDO:0030719, OMIM 619804.

gnomAD v4.1: 20 of 1,614,236 alleles (0.0012%); highest among the groups gnomAD compares: South Asian, 0.0033%; no homozygotes.

Submission:

Laboratory of Prof. Karen Avraham, Tel Aviv University
Classification: Uncertain significance for Hearing loss, autosomal dominant 82. Last evaluated: 2024-12-15. Review status: criteria provided, single submitter. Criteria: ACMG Guidelines, 2015. Collection method: research. Allele origin: germline. Affected: yes. Observed: 1 variant allele.
Comment: The ATP2B2 c.3059G>A:p.(Arg1020His) heterozygous variant is predicted deleterious by most prediction tools and is very rare.